The following is an entry in ClinVar:

NM_024809.5(TCTN2):c.1505+7G>A

Gene: TCTN2 (tectonic family member 2; plus strand). Cytogenetic location: 12q24.31.
Variant type: single nucleotide variant.
Coding change: c.1505+7G>A on transcript NM_024809.5 (MANE Select); 7 bases into the intron after coding-DNA position 1505, G replaced by A.
Molecular consequence: intron variant.
Genome position (GRCh38, 1-based): chr12:123,697,205, G>A. VCF-style: chr12-123697205-G-A. GRCh37 (hg19) VCF-style: chr12-124181752-G-A.
Other names: c.1370+7G>A (NM_001410989.1); c.1502+7G>A (NM_001143850.3).
Identifiers: ClinVar variation 3046902 (VCV003046902.2), dbSNP rs1956119745, ClinGen allele CA2068977193.

ClinVar aggregate classification (germline): Likely benign (0 of 4 stars; one submission).

Conditions:
TCTN2-related disorder. Also called: TCTN2-related disorders; TCTN2-related condition. Identifiers: MedGen CN239412.

Allele frequency attached by ClinVar (database versions not stated): gnomAD exomes below 0.00001.
gnomAD v4.1: 3 of 1,571,426 alleles (0.00019%); highest among the groups gnomAD compares: Non-Finnish European, 0.00026%; no homozygotes.

Submission:

PreventionGenetics, part of Exact Sciences
Classification: Likely benign for TCTN2-related condition. Last evaluated: 2022-05-27. Review status: no assertion criteria provided. Collection method: clinical testing. Allele origin: germline.
Comment: This variant is classified as likely benign based on ACMG/AMP sequence variant interpretation guidelines (Richards et al. 2015 PMID: 25741868, with internal and published modifications).